The following is an entry in ClinVar:

NM_001082971.2(DDC):c.876G>A (p.Glu292=)

Gene: DDC (dopa decarboxylase; minus strand). Cytogenetic location: 7p12.2.
Variant type: single nucleotide variant.
Coding change: c.876G>A on transcript NM_001082971.2 (MANE Select); coding-DNA position 876, G replaced by A.
Protein change: p.Glu292=; no amino-acid change (glutamic acid 292 retained).
Molecular consequence: synonymous variant.
Genome position (GRCh38, 1-based): chr7:50,499,148, C>T on the plus strand (G>A on the coding strand, the complement: DDC is on the minus strand). VCF-style: chr7-50499148-C-T. GRCh37 (hg19) VCF-style: chr7-50566846-C-T.
Other names: c.876G>A, p.Glu292= (NM_000790.4, NM_001242890.2); c.762G>A, p.Glu254= (NM_001242886.2); c.732G>A, p.Glu244= (NM_001242887.2); c.642G>A, p.Glu214= (NM_001242888.2); c.597G>A, p.Glu199= (NM_001242889.2).
Identifiers: ClinVar variation 942190 (VCV000942190.10), dbSNP rs1237793828, ClinGen allele CA454935505.

ClinVar aggregate classification (germline): Likely pathogenic (1 of 4 stars; one submission).

Conditions:
Deficiency of aromatic-L-amino-acid decarboxylase. Also called: AADC DEFICIENCY; DDC DEFICIENCY; DOPA DECARBOXYLASE DEFICIENCY; Aromatic L-Amino Acid Decarboxylase Deficiency; Aromatic amino acid decarboxylase deficiency. Identifiers: Orphanet 35708, MedGen C1291564, MONDO:0012084, OMIM 608643.

Allele frequency attached by ClinVar (database versions not stated): gnomAD 0.00001; TOPMed 0.00002.
gnomAD v4.1: 7 of 1,611,458 alleles (0.00043%); highest among the groups gnomAD compares: Admixed American, 0.0017%; no homozygotes.

Submission:

Labcorp Genetics (formerly Invitae), Labcorp
Classification: Likely pathogenic for Deficiency of aromatic-L-amino-acid decarboxylase. Last evaluated: 2022-10-10. Review status: criteria provided, single submitter. Criteria: Invitae Variant Classification Sherloc (09022015). Collection method: clinical testing. Allele origin: germline.
Comment: ClinVar contains an entry for this variant (Variation ID: 942190). In summary, the currently available evidence indicates that the variant is pathogenic, but additional data are needed to prove that conclusively. Therefore, this variant has been classified as Likely Pathogenic. Variants that disrupt the consensus splice site are a relatively common cause of aberrant splicing (PMID: 17576681, 9536098). Algorithms developed to predict the effect of sequence changes on RNA splicing suggest that this variant may disrupt the consensus splice site. This variant has been observed in individual(s) with DDC-related conditions (PMID: 20505134; Invitae). This variant is not present in population databases (gnomAD no frequency). This sequence change affects codon 292 of the DDC mRNA. It is a 'silent' change, meaning that it does not change the encoded amino acid sequence of the DDC protein. This variant also falls at the last nucleotide of exon 8, which is part of the consensus splice site for this exon.

Literature cited by the submitters: PubMed 17576681; PubMed 9536098; PubMed 20505134.